The following is an entry in ClinVar:

NM_001365951.3(KIF1B):c.2137G>A (p.Ala713Thr)

Gene: KIF1B (kinesin family member 1B; plus strand). Cytogenetic location: 1p36.22.
Variant type: single nucleotide variant.
Coding change: c.2137G>A on transcript NM_001365951.3 (MANE Select); coding-DNA position 2137, G replaced by A.
Protein change: p.Ala713Thr; replaces alanine 713 with threonine.
Molecular consequence: missense variant.
Genome position (GRCh38, 1-based): chr1:10,320,064, G>A. VCF-style: chr1-10320064-G-A. GRCh37 (hg19) VCF-style: chr1-10380122-G-A.
Other names: c.2137G>A, p.Ala713Thr (NM_001365952.1); c.1999G>A, p.Ala667Thr (NM_015074.3); short protein forms A667T, A713T.
Identifiers: ClinVar variation 2505358 (VCV002505358.3), dbSNP rs1354927981, ClinGen allele CA338332277.

ClinVar aggregate classification (germline): Uncertain significance. Review status: criteria provided, multiple submitters, no conflicts (2 of 4 stars). 2 submissions from 2 submitters: Uncertain significance (2). Last evaluated 2023-09-28.

Conditions:
Charcot-Marie-Tooth disease type 2A1. Also called: CHARCOT-MARIE-TOOTH DISEASE, AXONAL, AUTOSOMAL DOMINANT, TYPE 2A1; CHARCOT-MARIE-TOOTH DISEASE, NEURONAL, TYPE 2A1; CHARCOT-MARIE-TOOTH NEUROPATHY, TYPE 2A1; HEREDITARY MOTOR AND SENSORY NEUROPATHY IIA1; CHARCOT-MARIE-TOOTH DISEASE, AXONAL, TYPE 2A1. Identifiers: Orphanet 99946, MedGen C1861678, MONDO:0007308, OMIM 118210.

Allele frequency attached by ClinVar (database versions not stated): TOPMed below 0.00001.
gnomAD v4.1: 7 of 1,613,050 alleles (0.00043%); highest among the groups gnomAD compares: South Asian, 0.0055%; no homozygotes.

Submissions (2):

Ambry Genetics
Classification: Uncertain significance. Last evaluated: 2023-09-28. Review status: criteria provided, single submitter. Criteria: Ambry Variant Classification Scheme 2023. Collection method: clinical testing. Allele origin: germline.
Comment: The p.A667T variant (also known as c.1999G>A), located in coding exon 20 of the KIF1B gene, results from a G to A substitution at nucleotide position 1999. The alanine at codon 667 is replaced by threonine, an amino acid with similar properties. This amino acid position is conserved. In addition, this alteration is predicted to be tolerated by in silico analysis. Since supporting evidence is limited at this time, the clinical significance of this alteration remains unclear.

Diagnostics Services (NGS), CSIR - Centre For Cellular And Molecular Biology
Classification: Uncertain significance for Charcot-Marie-Tooth disease type 2A1. Last evaluated: 2023-05-26. Review status: criteria provided, single submitter. Criteria: ACMG Guidelines, 2015. Collection method: clinical testing. Allele origin: unknown. Affected: yes. Observed: 1 variant allele, 1 heterozygote.
Comment: The c.2137G>A variant is not present in publicly available population databases like 1000 Genomes, ExAC, EVS, Indian Exome Database or our in-house exome database. The variant is present in gnomAD at a low frequency. The variant has neither been published in literature nor reported to clinical databases like in ClinVar, Human Gene Mutation Database (HGMD) or OMIM, in any affected individuals. In-silico pathogenicity prediction programs like SIFT, PolyPhen2, MutationTaster2, CADD, Varsome, Franklin etc predicted this variant to be likely deleterious, however these predictions were not confirmed by published functional studies.